The following is an entry in ClinVar:

NM_001375567.1(FOCAD):c.2190+3A>G

Gene: FOCAD (focadhesin; plus strand). Cytogenetic location: 9p21.3.
Variant type: single nucleotide variant.
Coding change: c.2190+3A>G on transcript NM_001375567.1 (MANE Select); 3 bases into the intron after coding-DNA position 2190, A replaced by G.
Molecular consequence: intron variant.
Genome position (GRCh38, 1-based): chr9:20,867,015, A>G. VCF-style: chr9-20867015-A-G. GRCh37 (hg19) VCF-style: chr9-20867014-A-G.
Other names: c.2190+3A>G (NM_017794.5); c.2085+3A>G (NM_001375568.1, NM_001375570.1).
Identifiers: ClinVar variation 3718714 (VCV003718714.2).

ClinVar aggregate classification (germline): Uncertain significance (1 of 4 stars; one submission).

gnomAD v4.1: 53 of 1,562,776 alleles (0.0034%); highest among the groups gnomAD compares: Non-Finnish European, 0.0045%; no homozygotes.

Submission:

Labcorp Genetics (formerly Invitae), Labcorp
Classification: Uncertain significance. Last evaluated: 2024-04-17. Review status: criteria provided, single submitter. Criteria: Invitae Variant Classification Sherloc (09022015). Collection method: clinical testing. Allele origin: germline.
Comment: This sequence change falls in intron 20 of the FOCAD gene. It does not directly change the encoded amino acid sequence of the FOCAD protein. It affects a nucleotide within the consensus splice site. This variant is present in population databases (rs748895348, gnomAD 0.004%). This variant has not been reported in the literature in individuals affected with FOCAD-related conditions. Variants that disrupt the consensus splice site are a relatively common cause of aberrant splicing (PMID: 17576681, 9536098). In summary, the available evidence is currently insufficient to determine the role of this variant in disease. Therefore, it has been classified as a Variant of Uncertain Significance.

Literature cited by the submitters: PubMed 17576681; PubMed 9536098.